The following is an entry in ClinVar:

NM_004525.3(LRP2):c.8670T>C (p.Phe2890=)

Gene: LRP2 (LDL receptor related protein 2; minus strand). Cytogenetic location: 2q31.1.
Variant type: single nucleotide variant.
Coding change: c.8670T>C on transcript NM_004525.3 (MANE Select); coding-DNA position 8670, T replaced by C.
Protein change: p.Phe2890=; no amino-acid change (phenylalanine 2890 retained).
Molecular consequence: synonymous variant.
Genome position (GRCh38, 1-based): chr2:169,196,939, A>G on the plus strand (T>C on the coding strand, the complement: LRP2 is on the minus strand). VCF-style: chr2-169196939-A-G. GRCh37 (hg19) VCF-style: chr2-170053449-A-G.
Identifiers: ClinVar variation 3046592 (VCV003046592.2), dbSNP rs2545782240, ClinGen allele CA429933044.
Genomic context (GRCh38, chr2:169,196,939, plus strand): 5'-GTGATGTTTTTCATGCTTGCTTACTCTCTTACCACAAGAGGCAGGTTCATCAGAGGCATC[A>G]AAACAATCTGTTTCTTGATCACAATACCAATGTTGAGGAATACAGCGCCCAGATGCGCAT-3'
Protein context (NP_004516.2, residues 2880-2900): HWYCDQETDC[Phe2890=]DASDEPASCG

ClinVar aggregate classification (germline): Likely benign (0 of 4 stars; one submission).

Conditions:
LRP2-related disorder. Also called: LRP2-related condition.

Submission:

PreventionGenetics, part of Exact Sciences
Classification: Likely benign for LRP2-related condition. Last evaluated: 2024-02-20. Review status: no assertion criteria provided. Collection method: clinical testing. Allele origin: germline.
Comment: This variant is classified as likely benign based on ACMG/AMP sequence variant interpretation guidelines (Richards et al. 2015 PMID: 25741868, with internal and published modifications).